The following is an entry in ClinVar:

ClinVar aggregate classification (germline): Pathogenic (1 of 4 stars; one submission).

Conditions:
Hereditary breast ovarian cancer syndrome. Also called: Hereditary breast and ovarian cancer syndrome (HBOC); Hereditary breast and ovarian cancer; BRCA1- and BRCA2-Associated Hereditary Breast and Ovarian Cancer; Hereditary breast and ovarian cancer syndrome; Hereditary breast and/or ovarian cancer syndrome; Breast and ovarian cancer. Identifiers: Orphanet 145, MedGen C0677776, MeSH D061325, MONDO:0003582. Disease mechanism: loss of function.

Submission:

Labcorp Genetics (formerly Invitae), Labcorp
Classification: Pathogenic for Hereditary breast ovarian cancer syndrome. Last evaluated: 2024-03-28. Review status: criteria provided, single submitter. Criteria: Invitae Variant Classification Sherloc (09022015). Collection method: clinical testing. Allele origin: germline.
Comment: This sequence change creates a premature translational stop signal (p.Asn3164Lysfs*4) in the BRCA2 gene. It is expected to result in an absent or disrupted protein product. Loss-of-function variants in BRCA2 are known to be pathogenic (PMID: 20104584). This variant is not present in population databases (gnomAD no frequency). This variant has not been reported in the literature in individuals affected with BRCA2-related conditions. For these reasons, this variant has been classified as Pathogenic.

Literature cited by the submitters: PubMed 20104584.

NM_000059.4(BRCA2):c.9491_9492insG (p.Asn3164fs)

Gene: BRCA2 (BRCA2 DNA repair associated; plus strand). Cytogenetic location: 13q13.1.
Variant type: Insertion.
Coding change: c.9491_9492insG on transcript NM_000059.4 (MANE Select); coding-DNA positions 9491 to 9492, G inserted.
Protein change: p.Asn3164fs; shifts the reading frame from asparagine 3164.
Molecular consequence: frameshift variant. On other transcripts: non-coding transcript variant (1).
Genome position: GRCh38 VCF-style: chr13-32394923-A-AG. GRCh37 (hg19) VCF-style: chr13-32969060-A-AG.
Other names: c.9395_9396insG, p.Asn3132fs (NM_001406719.1); c.9440_9441insG, p.Asn3147fs (NM_001406720.1); c.4559_4560insG, p.Asn1520fs (NM_001406721.1); c.3074_3075insG, p.Asn1025fs (NM_001406722.1); c.9491_9492insG, p.Asn3164fs (NM_001432077.1); short protein forms N3147fs, N1520fs, N1025fs, N3132fs, N3164fs.
Identifiers: ClinVar variation 3647997 (VCV003647997.2).
Genomic context (GRCh38, chr13:32,394,923, plus strand): 5'-CTGTGTTTTCTGCTAGTCCAAAAGAGGGCCACTTTCAAGAGACATTCAACAAAATGAAAA[A>AG]TACTGTTGAGGTAAGGTTACTTTTCAGCATCACCACACATTTTGGTATTTTTCTATTTTG-3'